The following is an entry in ClinVar:

ClinVar aggregate classification (germline): Conflicting classifications of pathogenicity. Review status: criteria provided, conflicting classifications (1 of 4 stars). 5 submissions from 5 submitters: Pathogenic (1); Likely pathogenic (1); Uncertain significance (3). Last evaluated 2025-03-12.

Conditions:
PCDH15-related disorder. Also called: PCDH15-related condition; PCDH15-related disorders.
Usher syndrome type 1D (USH1D). Also called: USHER SYNDROME, TYPE ID. Identifiers: Orphanet 231169, Orphanet 886, MedGen C1832845, MONDO:0010984, OMIM 601067.
Autosomal recessive nonsyndromic hearing loss 23. Identifiers: Orphanet 90636, MedGen C1836027, MONDO:0012293, OMIM 609533.
Usher syndrome type 1F (USH1F). Also called: USHER SYNDROME, TYPE IF. Identifiers: Orphanet 231169, Orphanet 886, MedGen C1865885, MONDO:0011186, OMIM 602083.

Allele frequency attached by ClinVar (database versions not stated): gnomAD exomes 0.00001 and 0.00004; gnomAD 0.00001; ExAC 0.00002.

Submissions (5):

PreventionGenetics, part of Exact Sciences
Classification: Uncertain significance for PCDH15-related condition. Last evaluated: 2025-03-12. Review status: criteria provided, single submitter. Criteria: ACMG Guidelines, 2015. Collection method: clinical testing. Allele origin: germline.
Comment: The PCDH15 c.4533_4554dup22 variant is predicted to result in a frameshift and premature protein termination (p.Glu1519Lysfs*7). To our knowledge, this variant has not been reported in the literature. This variant is reported in 0.060% of alleles in individuals of East Asian descent in gnomAD. This variant occurs in the last exon of the PCDH15 alternatively spliced transcript known as CD1 (NM_033056), but this exon is not required for proper inner ear hair cell function and maintenance of hearing and is not included in the biologically relevant transcript for hearing loss known as CD2 (NM_001142769; Webb et al. 2011. PubMed ID: 21427143; Pepermans et al. 2014. PubMed ID: 24940003). Furthermore, loss of function variants in this exon of CD1 have been shown to occur at population frequencies inconsistent with pathogenicity (Perreault-Micale et al. 2014. PubMed ID: 25307757). This variant is interpreted as suspected benign.

Labcorp Genetics (formerly Invitae), Labcorp
Classification: Pathogenic. Last evaluated: 2024-10-15. Review status: criteria provided, single submitter. Criteria: Invitae Variant Classification Sherloc (09022015). Collection method: clinical testing. Allele origin: germline.
Comment: This sequence change creates a premature translational stop signal (p.Glu1519Lysfs*7) in the PCDH15 gene. While this is not anticipated to result in nonsense mediated decay, it is expected to disrupt the last 437 amino acid(s) of the PCDH15 protein. This variant is present in population databases (rs746017823, gnomAD 0.06%). This variant has not been reported in the literature in individuals affected with PCDH15-related conditions. ClinVar contains an entry for this variant (Variation ID: 1076076). This variant disrupts a region of the PCDH15 protein in which other variant(s) (p.Gln1576*) have been determined to be pathogenic (PMID: 28281779). This suggests that this is a clinically significant region of the protein, and that variants that disrupt it are likely to be disease-causing. For these reasons, this variant has been classified as Pathogenic.

Fulgent Genetics
Classification: Likely pathogenic for Usher syndrome type 1D; Usher syndrome type 1F; Autosomal recessive nonsyndromic hearing loss 23. Last evaluated: 2024-06-19. Review status: criteria provided, single submitter. Criteria: ACMG Guidelines, 2015. Collection method: clinical testing. Allele origin: germline.

Blueprint Genetics
Classification: Uncertain significance. Last evaluated: 2018-08-27. Review status: criteria provided, single submitter. Criteria: ACMG Guidelines, 2015. Collection method: clinical testing. Allele origin: germline.

Juno Genomics, Hangzhou Juno Genomics, Inc
Classification: Uncertain significance for Usher syndrome type 1D; Usher syndrome type 1F; Autosomal recessive nonsyndromic hearing loss 23. Review status: criteria provided, single submitter. Criteria: ACMG Guidelines, 2015. Collection method: clinical testing. Allele origin: germline. Affected: yes.
Comment: Absent from controls (or at extremely low frequency if recessive) in Genome Aggregation Database, Exome Sequencing Project, 1000 Genomes Project, or Exome Aggregation Consortium.;Null variant in a gene where loss of function (LOF) is a known mechanism of disease.

Literature cited by the submitters: PubMed 28281779 (cited by Labcorp Genetics (formerly Invitae), Labcorp).

NM_033056.4(PCDH15):c.4533_4554dup (p.Glu1519delinsLysIleHisIleSerIleTer)

Gene: PCDH15 (protocadherin related 15; minus strand). Cytogenetic location: 10q21.1.
Variant type: Duplication.
Coding change: c.4533_4554dup on transcript NM_033056.4 (MANE Plus Clinical); coding-DNA positions 4533 to 4554, 22 bases duplicated (AAAATTCACATTTCTATCTGAT).
Protein change: p.Glu1519delinsLysIleHisIleSerIleTer.
Molecular consequence: nonsense. On other transcripts: intron variant (8).
Genome position (GRCh38, 1-based): chr10:53,823,172-53,823,193, ATCAGATAGAAATGTGAATTTT duplicated on the plus strand (AAAATTCACATTTCTATCTGAT on the coding strand, the reverse complement: PCDH15 is on the minus strand). VCF-style (leftmost placement, unchanged base first): chr10-53823171-C-CATCAGATAGAAATGTGAATTTT. GRCh37 (hg19) VCF-style: chr10-55582931-C-CATCAGATAGAAATGTGAATTTT.
Other names: c.4554_4575dup, p.Glu1526delinsLysIleHisIleSerIleTer (NM_001142763.2); c.4539_4560dup, p.Glu1521delinsLysIleHisIleSerIleTer (NM_001142764.2); c.4326_4347dup, p.Glu1450delinsLysIleHisIleSerIleTer (NM_001142765.2); c.4524_4545dup, p.Glu1516delinsLysIleHisIleSerIleTer (NM_001142766.2); c.4413_4434dup, p.Glu1479delinsLysIleHisIleSerIleTer (NM_001142767.2); c.4473_4494dup, p.Glu1499delinsLysIleHisIleSerIleTer (NM_001142768.2); c.4464_4485dup, p.Glu1496delinsLysIleHisIleSerIleTer (NM_001142773.2); c.4467_4488dup, p.Glu1497delinsLysIleHisIleSerIleTer (NM_001354404.2); and 7 more.
Identifiers: ClinVar variation 1076076 (VCV001076076.11), dbSNP rs746017823, ClinGen allele CA5505247.